The following is an entry in ClinVar:

NM_001371928.1(AHDC1):c.561C>T (p.His187=)

Gene: AHDC1 (AT-hook DNA binding motif containing 1; minus strand). Cytogenetic location: 1p36.11.
Variant type: single nucleotide variant.
Coding change: c.561C>T on transcript NM_001371928.1 (MANE Select); coding-DNA position 561, C replaced by T.
Protein change: p.His187=; no amino-acid change (histidine 187 retained).
Molecular consequence: synonymous variant.
Genome position (GRCh38, 1-based): chr1:27,551,555, G>A on the plus strand (C>T on the coding strand, the complement: AHDC1 is on the minus strand). VCF-style: chr1-27551555-G-A. GRCh37 (hg19) VCF-style: chr1-27878066-G-A.
Other names: c.561C>T (NM_001029882.2); c.561C>T, p.His187= (NM_001029882.3).
Identifiers: ClinVar variation 780765 (VCV000780765.29), dbSNP rs116570071, ClinGen allele CA716133.

ClinVar aggregate classification (germline): Benign/Likely benign. Review status: criteria provided, multiple submitters, no conflicts (2 of 4 stars). 7 submissions from 7 submitters: Benign (4); Likely benign (2). 1 of the submissions does not count toward it. Last evaluated 2026-01-24.

Conditions:
AHDC1-related disorder. Also called: AHDC1-related condition.
AHDC1-related intellectual disability - obstructive sleep apnea - mild dysmorphism syndrome. Also called: Xia-Gibbs syndrome. Identifiers: Orphanet 412069, MedGen C4014419, MONDO:0014358, OMIM 615829.

Allele frequency attached by ClinVar (database versions not stated): ExAC 0.00082; 1000 Genomes Project 0.00180; 1000 Genomes Project 30x 0.00187; gnomAD 0.00235 and 0.00252; TOPMed 0.00265; ESP Exome Variant Server 0.00292.
gnomAD v4.1: 767 of 1,608,002 alleles (0.048%); highest among the groups gnomAD compares: African/African-American, 0.8%; no homozygotes.

Submissions (7):

Labcorp Genetics (formerly Invitae), Labcorp
Classification: Benign. Last evaluated: 2026-01-24. Review status: criteria provided, single submitter. Criteria: Invitae Variant Classification Sherloc (09022015). Collection method: clinical testing. Allele origin: germline.

CeGaT Center for Human Genetics Tuebingen
Classification: Likely benign. Last evaluated: 2024-11-01. Review status: criteria provided, single submitter. Criteria: CeGaT Center For Human Genetics Tuebingen Variant Classification Criteria Version 2. Collection method: clinical testing. Allele origin: germline. Affected: yes. Observed: 2 variant alleles.
Comment: AHDC1: BP4, BP7, BS1

Blueprint Genetics
Classification: Likely benign. Last evaluated: 2024-09-18. Review status: criteria provided, single submitter. Criteria: ACMG Guidelines, 2015. Collection method: clinical testing. Allele origin: germline.

Genome-Nilou Lab
Classification: Benign for AHDC1-related intellectual disability - obstructive sleep apnea - mild dysmorphism syndrome. Last evaluated: 2021-12-05. Review status: criteria provided, single submitter. Criteria: ACMG Guidelines, 2015. Collection method: clinical testing. Allele origin: germline. Affected: no.

GeneDx
Classification: Benign. Last evaluated: 2019-06-25. Review status: criteria provided, single submitter. Criteria: GeneDx Variant Classification Process June 2021. Collection method: clinical testing. Allele origin: germline. Affected: yes.

Breakthrough Genomics
Classification: Benign. Review status: criteria provided, single submitter. Criteria: ACMG Guidelines, 2015. Collection method: not provided. Allele origin: germline. Inheritance: Autosomal dominant inheritance. Affected: yes.

PreventionGenetics, part of Exact Sciences
Classification: Benign for AHDC1-related condition. Last evaluated: 2022-10-06. Review status: no assertion criteria provided. Collection method: clinical testing. Allele origin: germline. Not counted in ClinVar's aggregate classification.
Comment: This variant is classified as benign based on ACMG/AMP sequence variant interpretation guidelines (Richards et al. 2015 PMID: 25741868, with internal and published modifications).